The following is an entry in ClinVar:

ClinVar aggregate classification (germline): Conflicting classifications of pathogenicity. Review status: criteria provided, conflicting classifications (1 of 4 stars). 2 submissions from 2 submitters: Uncertain significance (1); Likely benign (1). Last evaluated 2023-06-26.

Conditions:
Long QT syndrome (LQTS). Identifiers: MedGen C0023976, MeSH D008133, MONDO:0002442. Disease mechanism: loss of function. Inheritance: Various modes of inheritance.

Submissions (2):

All of Us Research Program, National Institutes of Health
Classification: Uncertain significance for Long QT syndrome. Last evaluated: 2023-06-26. Review status: criteria provided, single submitter. Criteria: ACMG Guidelines, 2015. Collection method: clinical testing. Allele origin: germline. Inheritance: Autosomal dominant inheritance. Observed: 1 variant allele, 1 heterozygote.
Comment: This variant is located in the KCNH2 protein. To our knowledge, functional studies have not been reported for this variant. This variant has not been reported in individuals affected with KCNH2-related disorders in the literature. This variant has not been identified in the general population by the Genome Aggregation Database (gnomAD). The available evidence is insufficient to determine the role of this variant in disease conclusively. Therefore, this variant is classified as a Variant of Uncertain Significance.

This study involves interpretation of variants in research participants for the purpose of population health screening. Participant phenotype was not available at the time of variant classification. Additional details can be found in publication PMID: 35346344, PMCID: PMC8962531

Labcorp Genetics (formerly Invitae), Labcorp
Classification: Likely benign for Long QT syndrome. Last evaluated: 2017-11-09. Review status: criteria provided, single submitter. Criteria: Invitae Variant Classification Sherloc (09022015). Collection method: clinical testing. Allele origin: germline.

NM_000238.4(KCNH2):c.927C>T (p.His309=)

Gene: KCNH2 (potassium voltage-gated channel subfamily H member 2; minus strand). Cytogenetic location: 7q36.1.
Variant type: single nucleotide variant.
Coding change: c.927C>T on transcript NM_000238.4 (MANE Select); coding-DNA position 927, C replaced by T.
Protein change: p.His309=; no amino-acid change (histidine 309 retained).
Molecular consequence: synonymous variant. On other transcripts: non-coding transcript variant (1).
Genome position (GRCh38, 1-based): chr7:150,957,492, G>A on the plus strand (C>T on the coding strand, the complement: KCNH2 is on the minus strand). VCF-style: chr7-150957492-G-A. GRCh37 (hg19) VCF-style: chr7-150654580-G-A.
Other names: c.639C>T, p.His213= (NM_001406753.1, NM_001406756.1); c.750C>T, p.His250= (NM_001406755.1); c.627C>T, p.His209= (NM_001406757.1); c.927C>T, p.His309= (NM_172056.3).
Identifiers: ClinVar variation 527047 (VCV000527047.6), dbSNP rs775056804, ClinGen allele CA072262.